The following is an entry in ClinVar:

ClinVar aggregate classification (germline): Uncertain significance (1 of 4 stars; one submission).

Conditions:
Hereditary cancer-predisposing syndrome. Also called: Hereditary Cancer Syndrome; Neoplastic Syndromes, Hereditary; Tumor predisposition; Hereditary neoplastic syndrome. Identifiers: Orphanet 140162, MedGen C0027672, MeSH D009386, MONDO:0015356.

Submission:

Ambry Genetics
Classification: Uncertain significance for Hereditary cancer-predisposing syndrome. Last evaluated: 2016-06-10. Review status: criteria provided, single submitter. Criteria: Ambry Variant Classification Scheme 2023. Collection method: clinical testing. Allele origin: germline.
Comment: The p.K1180N variant (also known as c.3540G>T), located in coding exon 29 of the TSC2 gene, results from a G to T substitution at nucleotide position 3540. The lysine at codon 1180 is replaced by asparagine, an amino acid with similar properties. This variant was not reported in population based cohorts in the following databases: Database of Single Nucleotide Polymorphisms (dbSNP), NHLBI Exome Sequencing Project (ESP), and 1000 Genomes Project. In the ESP, this variant was not observed in 6495 samples (12990 alleles) with coverage at this position. To date, this alteration has been detected with an allele frequency of approximately 0.006% (greater than 20000 alleles tested) in our clinical cohort. This amino acid position is well conserved in available vertebrate species. In addition, the in silico prediction for this alteration is inconclusive. Since supporting evidence is limited at this time, the clinical significance of this alteration remains unclear.

NM_000548.5(TSC2):c.3540G>T (p.Lys1180Asn)

Gene: TSC2 (TSC complex subunit 2; plus strand). Cytogenetic location: 16p13.3.
Variant type: single nucleotide variant.
Coding change: c.3540G>T on transcript NM_000548.5 (MANE Select); coding-DNA position 3540, G replaced by T.
Protein change: p.Lys1180Asn; replaces lysine 1180 with asparagine.
Molecular consequence: missense variant.
Genome position (GRCh38, 1-based): chr16:2,080,307, G>T. VCF-style: chr16-2080307-G-T. GRCh37 (hg19) VCF-style: chr16-2130308-G-T.
Other names: c.3408G>T, p.Lys1136Asn (NM_001077183.3, NM_001370404.1); c.3540G>T, p.Lys1180Asn (NM_001114382.3); c.3300G>T, p.Lys1100Asn (NM_001318827.2); c.3264G>T, p.Lys1088Asn (NM_001318829.2); c.2808G>T, p.Lys936Asn (NM_001318831.2); c.3441G>T, p.Lys1147Asn (NM_001318832.2); c.3411G>T, p.Lys1137Asn (NM_001363528.2, NM_001370405.1, NM_021055.3); short protein forms K1180N, K936N, K1088N, K1100N, K1136N, K1137N, K1147N.
Identifiers: ClinVar variation 480833 (VCV000480833.5), dbSNP rs1555511520, ClinGen allele CA394289462.
Genomic context (GRCh38, chr16:2,080,307, plus strand): 5'-TGCACCAGCCGCGAAACCTGAGAAGGCCTCAGCTGGCACCCGGGTTCCTGTGCAGGAGAA[G>T]ACGAACCTGGCGGCCTATGTGCCCCTGCTGACCCAGGGCTGGGCGGAGATCCTGGTCCGG-3'
Protein context (NP_000539.2, residues 1170-1190): SAGTRVPVQE[Lys1180Asn]TNLAAYVPLL